The following is an entry in ClinVar:

NM_002180.3(IGHMBP2):c.1121T>C (p.Ile374Thr)

Gene: IGHMBP2 (immunoglobulin mu DNA binding protein 2; plus strand). Cytogenetic location: 11q13.3.
Variant type: single nucleotide variant.
Coding change: c.1121T>C on transcript NM_002180.3 (MANE Select); coding-DNA position 1121, T replaced by C.
Protein change: p.Ile374Thr; replaces isoleucine 374 with threonine.
Molecular consequence: missense variant.
Genome position (GRCh38, 1-based): chr11:68,929,243, T>C. VCF-style: chr11-68929243-T-C. GRCh37 (hg19) VCF-style: chr11-68696711-T-C.
Other names: short protein forms I374T.
Identifiers: ClinVar variation 433161 (VCV000433161.8), dbSNP rs1193634362, ClinGen allele CA381647490.

ClinVar aggregate classification (germline): Conflicting classifications of pathogenicity. Review status: criteria provided, conflicting classifications (1 of 4 stars). 3 submissions from 3 submitters: Likely pathogenic (1); Uncertain significance (1). 1 of the submissions does not count toward it. Last evaluated 2024-04-30.

Conditions:
Charcot-Marie-Tooth disease. Also called: Charcot-Marie-Tooth Hereditary Neuropathy; Charcot-Marie-Tooth Neuropathy. Identifiers: Orphanet 166, MedGen C0007959, MONDO:0015626.
Autosomal recessive distal spinal muscular atrophy 1. Also called: SPINAL MUSCULAR ATROPHY, DIAPHRAGMATIC; Spinal muscular atrophy with respiratory distress 1; HMN VI; NEURONOPATHY, SEVERE INFANTILE AXONAL, WITH RESPIRATORY FAILURE; NEURONOPATHY, DISTAL HEREDITARY MOTOR, HARDING TYPE VI; NEUROPATHY, DISTAL HEREDITARY MOTOR, AUTOSOMAL RECESSIVE 1. Identifiers: Orphanet 98920, MedGen C1858517, MONDO:0011436, OMIM 604320.
Charcot-Marie-Tooth disease axonal type 2S. Also called: CHARCOT-MARIE-TOOTH DISEASE, AXONAL, AUTOSOMAL RECESSIVE, TYPE 2S; CHARCOT-MARIE-TOOTH NEUROPATHY, TYPE 2S. Identifiers: Orphanet 443073, MedGen C4015349, MONDO:0014511, OMIM 616155.

Allele frequency attached by ClinVar (database versions not stated): gnomAD 0.00001; TOPMed 0.00001.
gnomAD v4.1: 1 of 1,613,852 alleles (0.000062%); highest among the groups gnomAD compares: Non-Finnish European, 0.000085%; no homozygotes.

Submissions (3):

Labcorp Genetics (formerly Invitae), Labcorp
Classification: Likely pathogenic for Autosomal recessive distal spinal muscular atrophy 1; Charcot-Marie-Tooth disease axonal type 2S. Last evaluated: 2024-04-30. Review status: criteria provided, single submitter. Criteria: Invitae Variant Classification Sherloc (09022015). Collection method: clinical testing. Allele origin: germline.
Comment: This sequence change replaces isoleucine, which is neutral and non-polar, with threonine, which is neutral and polar, at codon 374 of the IGHMBP2 protein (p.Ile374Thr). This variant is not present in population databases (gnomAD no frequency). This missense change has been observed in individual(s) with clinical features of autosomal recessive distal hereditary motor neuropathy (Invitae). In at least one individual the data is consistent with being in trans (on the opposite chromosome) from a pathogenic variant. ClinVar contains an entry for this variant (Variation ID: 433161). Advanced modeling of protein sequence and biophysical properties (such as structural, functional, and spatial information, amino acid conservation, physicochemical variation, residue mobility, and thermodynamic stability) has been performed at Invitae for this missense variant, however the output from this modeling did not meet the statistical confidence thresholds required to predict the impact of this variant on IGHMBP2 protein function. In summary, the currently available evidence indicates that the variant is pathogenic, but additional data are needed to prove that conclusively. Therefore, this variant has been classified as Likely Pathogenic.

Molecular Diagnostics Lab, Nemours Children's Health, Delaware
Classification: Uncertain significance. Last evaluated: 2017-01-05. Review status: criteria provided, single submitter. Criteria: ACMG Guidelines, 2015. Collection method: clinical testing. Allele origin: inherited, unknown. Affected: yes and no. Observed: 1 heterozygote, 1 compound heterozygote.

Genesis Genome Database
Classification: Uncertain significance for Charcot-Marie-Tooth disease. Last evaluated: 2019-08-14. Review status: no assertion criteria provided. Collection method: research. Allele origin: germline. Affected: yes. Not counted in ClinVar's aggregate classification.